The following is an entry in ClinVar:

ClinVar aggregate classification (germline): Uncertain significance (1 of 4 stars; one submission).

gnomAD v4.1: 183 of 1,263,836 alleles (0.014%); highest among the groups gnomAD compares: Admixed American, 0.059%; no homozygotes.

Submission:

GeneDx
Classification: Uncertain significance. Last evaluated: 2023-06-02. Review status: criteria provided, single submitter. Criteria: GeneDx Variant Classification Process June 2021. Collection method: clinical testing. Allele origin: germline. Affected: yes.
Comment: In silico analysis supports that this variant does not alter splicing; Has not been previously published as pathogenic or benign to our knowledge

NM_152783.5(D2HGDH):c.-92-10C>A

Genes: D2HGDH (D-2-hydroxyglutarate dehydrogenase; plus strand), LOC129936031 (ATAC-STARR-seq lymphoblastoid silent region 12558; plus strand). Cytogenetic location: 2q37.3.
Variant type: single nucleotide variant.
Coding change: c.-92-10C>A on transcript NM_152783.5 (MANE Select); 10 bases into the intron before 92 bases upstream of the start codon, C replaced by A.
Molecular consequence: intron variant.
Genome position (GRCh38, 1-based): chr2:241,735,123, C>A. VCF-style: chr2-241735123-C-A. GRCh37 (hg19) VCF-style: chr2-242674538-C-A.
Other names: c.-636-10C>A (NM_001352824.2); c.-111+428C>A (NM_001287249.2).
Identifiers: ClinVar variation 3359388 (VCV003359388.1).